The following is an entry in ClinVar:

ClinVar aggregate classification (germline): Likely pathogenic (1 of 4 stars; one submission).

Conditions:
RAI1-related disorder. Also called: RAI1-related condition.

Submission:

PreventionGenetics, part of Exact Sciences
Classification: Likely pathogenic for RAI1-related condition. Last evaluated: 2026-03-05. Review status: criteria provided, single submitter. Criteria: ACMG Guidelines, 2015. Collection method: clinical testing. Allele origin: germline.
Comment: The RAI1 c.708T>A variant is predicted to result in premature protein termination (p.Tyr236*). To our knowledge, this variant has not been reported in the literature or in a large population database (gnomAD), indicating this variant is rare. Nonsense variants in RAI1 are expected to be pathogenic. This variant is interpreted as likely pathogenic.

NM_030665.4(RAI1):c.708T>A (p.Tyr236Ter)

Gene: RAI1 (retinoic acid induced 1; plus strand). Cytogenetic location: 17p11.2.
Variant type: single nucleotide variant.
Coding change: c.708T>A on transcript NM_030665.4 (MANE Select); coding-DNA position 708, T replaced by A.
Protein change: p.Tyr236Ter; replaces tyrosine 236 with a stop codon.
Molecular consequence: nonsense.
Genome position (GRCh38, 1-based): chr17:17,793,656, T>A. VCF-style: chr17-17793656-T-A. GRCh37 (hg19) VCF-style: chr17-17696970-T-A.
Other names: short protein forms Y236*.
Identifiers: ClinVar variation 4995214 (VCV004995214.1).